The following is an entry in ClinVar:

ClinVar aggregate classification (germline): Pathogenic. Review status: reviewed by expert panel (3 of 4 stars). 4 submissions from 4 submitters: Pathogenic (1). 3 of the submissions do not count toward it. Last evaluated 2016-10-18.

Conditions:
Hereditary breast ovarian cancer syndrome. Also called: Hereditary breast and ovarian cancer; Hereditary breast and ovarian cancer syndrome (HBOC); Hereditary breast and/or ovarian cancer syndrome; Breast and ovarian cancer; Hereditary breast and ovarian cancer syndrome; BRCA1- and BRCA2-Associated Hereditary Breast and Ovarian Cancer. Identifiers: Orphanet 145, MedGen C0677776, MeSH D061325, MONDO:0003582. Disease mechanism: loss of function.
Familial cancer of breast. Also called: Hereditary breast cancer; BREAST CANCER, FAMILIAL; hereditary breast carcinoma. Identifiers: Orphanet 227535, MedGen C0346153, MONDO:0016419, OMIM 114480. Disease mechanism: loss of function.
Hereditary cancer-predisposing syndrome. Also called: Tumor predisposition; Neoplastic Syndromes, Hereditary; Hereditary neoplastic syndrome; Hereditary Cancer Syndrome. Identifiers: Orphanet 140162, MedGen C0027672, MeSH D009386, MONDO:0015356.
Breast-ovarian cancer, familial, susceptibility to, 2 (BROVCA2). Also called: BRCA2 Hereditary Breast and Ovarian Cancer. Identifiers: Orphanet 145, MedGen C2675520, MONDO:0012933, OMIM 612555. Disease mechanism: loss of function.

Submissions (4):

Evidence-based Network for the Interpretation of Germline Mutant Alleles (ENIGMA)
Classification: Pathogenic for Breast-ovarian cancer, familial, susceptibility to, 2. Last evaluated: 2016-10-18. Review status: reviewed by expert panel. Criteria: ENIGMA BRCA1/2 Classification Criteria (2015). Collection method: curation. Allele origin: germline.
Comment: Variant allele predicted to encode a truncated non-functional protein.

Labcorp Genetics (formerly Invitae), Labcorp
Classification: Pathogenic for Hereditary breast ovarian cancer syndrome. Last evaluated: 2026-01-27. Review status: criteria provided, single submitter. Criteria: Invitae Variant Classification Sherloc (09022015). Collection method: clinical testing. Allele origin: germline. Not counted in ClinVar's aggregate classification.
Comment: This sequence change creates a premature translational stop signal (p.Tyr42*) in the BRCA2 gene. It is expected to result in an absent or disrupted protein product. Loss-of-function variants in BRCA2 are known to be pathogenic (PMID: 20104584). This variant is not present in population databases (gnomAD no frequency). This variant has not been reported in the literature in individuals affected with BRCA2-related conditions. ClinVar contains an entry for this variant (Variation ID: 266621). For these reasons, this variant has been classified as Pathogenic.

Ambry Genetics
Classification: Pathogenic for Hereditary cancer-predisposing syndrome. Last evaluated: 2023-05-25. Review status: criteria provided, single submitter. Criteria: Ambry Variant Classification Scheme 2023. Collection method: clinical testing. Allele origin: germline. Not counted in ClinVar's aggregate classification.
Comment: The p.Y42* pathogenic mutation (also known as c.126T>A), located in coding exon 2 of the BRCA2 gene, results from a T to A substitution at nucleotide position 126. This changes the amino acid from a tyrosine to a stop codon within coding exon 2. This variant is considered to be rare based on population cohorts in the Genome Aggregation Database (gnomAD). This alteration is expected to result in loss of function by premature protein truncation or nonsense-mediated mRNA decay. As such, this alteration is interpreted as a disease-causing mutation.

Baylor Genetics
Classification: Likely pathogenic for Familial cancer of breast. Last evaluated: 2021-09-06. Review status: criteria provided, single submitter. Criteria: ACMG Guidelines, 2015. Collection method: clinical testing. Allele origin: unknown. Not counted in ClinVar's aggregate classification.

Literature cited by the submitters: PubMed 20104584 (cited by Labcorp Genetics (formerly Invitae), Labcorp).

NM_000059.4(BRCA2):c.126T>A (p.Tyr42Ter)

Gene: BRCA2 (BRCA2 DNA repair associated; plus strand). Cytogenetic location: 13q13.1.
Variant type: single nucleotide variant.
Coding change: c.126T>A on transcript NM_000059.4 (MANE Select); coding-DNA position 126, T replaced by A.
Protein change: p.Tyr42Ter; replaces tyrosine 42 with a stop codon.
Molecular consequence: nonsense.
Genome position (GRCh38, 1-based): chr13:32,319,135, T>A. VCF-style: chr13-32319135-T-A. GRCh37 (hg19) VCF-style: chr13-32893272-T-A.
Other names: 354T>A; short protein forms Y42*.
Identifiers: ClinVar variation 266621 (VCV000266621.6), dbSNP rs886040353, ClinGen allele CA10589011.